The following is an entry in ClinVar:

ClinVar aggregate classification (germline): Conflicting classifications of pathogenicity. Review status: criteria provided, conflicting classifications (1 of 4 stars). 9 submissions from 9 submitters: Uncertain significance (1); Benign (4); Likely benign (4). Last evaluated 2026-01-21.

Conditions:
Inborn genetic diseases. Identifiers: MedGen C0950123, MeSH D030342.
Thrombocytopenia 2 (THC2). Also called: ANKRD26-Related Thrombocytopenia. Identifiers: Orphanet 268322, MedGen C1861185, MONDO:0008555, OMIM 188000.

Allele frequency attached by ClinVar (database versions not stated): ExAC 0.00087; ESP Exome Variant Server 0.00254; gnomAD 0.00260 and 0.00249; 1000 Genomes Project 0.00399; gnomAD exomes 0.00073; TOPMed 0.00283; 1000 Genomes Project 30x 0.00453.
gnomAD v4.1: 795 of 1,613,844 alleles (0.049%); highest among the groups gnomAD compares: African/African-American, 0.85%; 5 homozygotes.

Submissions (9):

Labcorp Genetics (formerly Invitae), Labcorp
Classification: Benign. Last evaluated: 2026-01-21. Review status: criteria provided, single submitter. Criteria: Invitae Variant Classification Sherloc (09022015). Collection method: clinical testing. Allele origin: germline.

Genomic Medicine Center of Excellence, King Faisal Specialist Hospital and Research Centre
Classification: Likely benign. Last evaluated: 2025-08-18. Review status: criteria provided, single submitter. Criteria: ACMG Guidelines, 2015. Collection method: clinical testing. Allele origin: germline.

Ambry Genetics
Classification: Uncertain significance for Inborn genetic diseases. Last evaluated: 2024-10-02. Review status: criteria provided, single submitter. Criteria: Ambry Variant Classification Scheme 2023. Collection method: clinical testing. Allele origin: germline.
Comment: The p.Q862E variant (also known as c.2584C>G), located in coding exon 23 of the ANKRD26 gene, results from a C to G substitution at nucleotide position 2584. The glutamine at codon 862 is replaced by glutamic acid, an amino acid with highly similar properties. This amino acid position is conserved. In addition, this alteration is predicted to be tolerated by in silico analysis. Based on the available evidence, the clinical significance of this variant remains unclear.

Blueprint Genetics
Classification: Likely benign. Last evaluated: 2024-09-13. Review status: criteria provided, single submitter. Criteria: ACMG Guidelines, 2015. Collection method: clinical testing. Allele origin: germline.

Mayo Clinic Laboratories, Mayo Clinic
Classification: Likely benign. Last evaluated: 2024-06-15. Review status: criteria provided, single submitter. Criteria: ACMG Guidelines, 2015. Collection method: clinical testing. Allele origin: germline. Observed: 5 variant alleles.
Comment: BS1, BP4, PM1_supporting

Genome-Nilou Lab
Classification: Benign for Thrombocytopenia 2. Last evaluated: 2021-12-05. Review status: criteria provided, single submitter. Criteria: ACMG Guidelines, 2015. Collection method: clinical testing. Allele origin: germline. Affected: no.

GeneDx
Classification: Likely benign. Last evaluated: 2021-08-25. Review status: criteria provided, single submitter. Criteria: GeneDx Variant Classification Process June 2021. Collection method: clinical testing. Allele origin: germline. Affected: yes.
Comment: In silico analysis, which includes protein predictors and evolutionary conservation, supports that this variant does not alter protein structure/function; Has not been previously published as pathogenic or benign to our knowledge

Illumina Laboratory Services, Illumina
Classification: Benign for Thrombocytopenia 2. Last evaluated: 2018-01-13. Review status: criteria provided, single submitter. Criteria: ICSL Variant Classification Criteria 13 December 2019. Collection method: clinical testing. Allele origin: germline.
Comment: This variant was observed in the ICSL laboratory as part of a predisposition screen in an ostensibly healthy population. It had not been previously curated by ICSL or reported in the Human Gene Mutation Database (HGMD: prior to June 1st, 2018), and was therefore a candidate for classification through an automated scoring system. Utilizing variant allele frequency, disease prevalence and penetrance estimates, and inheritance mode, an automated score was calculated to assess if this variant is too frequent to cause the disease. Based on the score and internal cut-off values, a variant classified as benign is not then subjected to further curation. The score for this variant resulted in a classification of benign for this disease.

Genetic Services Laboratory, University of Chicago
Classification: Benign. Last evaluated: 2017-11-08. Review status: criteria provided, single submitter. Criteria: ACMG Guidelines, 2015. Collection method: clinical testing. Allele origin: germline. Affected: no.

NM_014915.3(ANKRD26):c.2584C>G (p.Gln862Glu)

Gene: ANKRD26 (ankyrin repeat domain 26; minus strand). Cytogenetic location: 10p12.1.
Variant type: single nucleotide variant.
Coding change: c.2584C>G on transcript NM_014915.3 (MANE Select); coding-DNA position 2584, C replaced by G.
Protein change: p.Gln862Glu; replaces glutamine 862 with glutamic acid.
Molecular consequence: missense variant.
Genome position (GRCh38, 1-based): chr10:27,037,299, G>C on the plus strand (C>G on the coding strand, the complement: ANKRD26 is on the minus strand). VCF-style: chr10-27037299-G-C. GRCh37 (hg19) VCF-style: chr10-27326228-G-C.
Other names: p.Gln862Glu; c.2581C>G, p.Gln861Glu (NM_001256053.2); short protein forms Q861E, Q862E.
Identifiers: ClinVar variation 880062 (VCV000880062.18), dbSNP rs74128547, ClinGen allele CA5448190.